The following is an entry in ClinVar:

NM_001126108.2(SLC12A3):c.1336-3C>A

Gene: SLC12A3 (solute carrier family 12 member 3; plus strand). Cytogenetic location: 16q13.
Variant type: single nucleotide variant.
Coding change: c.1336-3C>A on transcript NM_001126108.2 (MANE Select); 3 bases into the intron before coding-DNA position 1336, C replaced by A.
Molecular consequence: intron variant.
Genome position (GRCh38, 1-based): chr16:56,879,539, C>A. VCF-style: chr16-56879539-C-A. GRCh37 (hg19) VCF-style: chr16-56913451-C-A.
Other names: c.1336-3C>A (NM_000339.3); c.1333-3C>A (NM_001126107.2).
Identifiers: ClinVar variation 829902 (VCV000829902.8), dbSNP rs1295643797, ClinGen allele CA915949273.

ClinVar aggregate classification (germline): Uncertain significance. Review status: criteria provided, single submitter (1 of 4 stars). 2 submissions from 2 submitters: Uncertain significance (1). 1 of the submissions does not count toward it. Last evaluated 2024-10-15.

Conditions:
Familial hypokalemia-hypomagnesemia (GTLMNS). Also called: HYPOMAGNESEMIA-HYPOKALEMIA, PRIMARY RENOTUBULAR, WITH HYPOCALCIURIA; POTASSIUM AND MAGNESIUM DEPLETION; gitelman syndrome. Identifiers: Orphanet 358, MedGen C0268450, MONDO:0009904, OMIM 263800.

gnomAD v4.1: 2 of 1,611,856 alleles (0.00012%); highest among the groups gnomAD compares: Non-Finnish European, 0.00017%; no homozygotes.

Submissions (2):

Labcorp Genetics (formerly Invitae), Labcorp
Classification: Uncertain significance. Last evaluated: 2024-10-15. Review status: criteria provided, single submitter. Criteria: Invitae Variant Classification Sherloc (09022015). Collection method: clinical testing. Allele origin: germline.
Comment: This sequence change falls in intron 10 of the SLC12A3 gene. It does not directly change the encoded amino acid sequence of the SLC12A3 protein. It affects a nucleotide within the consensus splice site. This variant is not present in population databases (gnomAD no frequency). This variant has not been reported in the literature in individuals affected with SLC12A3-related conditions. ClinVar contains an entry for this variant (Variation ID: 829902). Variants that disrupt the consensus splice site are a relatively common cause of aberrant splicing (PMID: 17576681, 9536098). Algorithms developed to predict the effect of sequence changes on RNA splicing suggest that this variant may disrupt the consensus splice site. In summary, the available evidence is currently insufficient to determine the role of this variant in disease. Therefore, it has been classified as a Variant of Uncertain Significance.

Bioscientia Institut fuer Medizinische Diagnostik GmbH, Sonic Healthcare
Classification: Uncertain significance for Familial hypokalemia-hypomagnesemia. Last evaluated: 2019-10-14. Review status: no assertion criteria provided. Collection method: clinical testing. Allele origin: germline. Affected: yes. Not counted in ClinVar's aggregate classification.

Literature cited by the submitters: PubMed 17576681 (cited by Labcorp Genetics (formerly Invitae), Labcorp); PubMed 9536098 (cited by Labcorp Genetics (formerly Invitae), Labcorp).